The following is an entry in ClinVar:

NM_016038.4(SBDS):c.260T>G (p.Ile87Ser)

Gene: SBDS (SBDS ribosome maturation factor; minus strand). Cytogenetic location: 7q11.21.
Variant type: single nucleotide variant.
Coding change: c.260T>G on transcript NM_016038.4 (MANE Select); coding-DNA position 260, T replaced by G.
Protein change: p.Ile87Ser; replaces isoleucine 87 with serine.
Molecular consequence: missense variant.
Genome position (GRCh38, 1-based): chr7:66,993,416, A>C on the plus strand (T>G on the coding strand, the complement: SBDS is on the minus strand). VCF-style: chr7-66993416-A-C. GRCh37 (hg19) VCF-style: chr7-66458403-A-C.
Other names: NM_016038.2:c.260T>G(p.Ile87Ser); short protein forms I87S.
Identifiers: ClinVar variation 549502 (VCV000549502.1), dbSNP rs1554341363, ClinGen allele CA367650925.

ClinVar aggregate classification (germline): Uncertain significance (1 of 4 stars; one submission).

Conditions:
Shwachman-Diamond syndrome 1 (SDS1). Also called: LIPOMATOSIS OF PANCREAS, CONGENITAL. Identifiers: MedGen C4692625, MONDO:0044204, OMIM 260400.

Submission:

SIB Swiss Institute of Bioinformatics
Classification: Uncertain significance for Shwachman-Diamond syndrome 1. Last evaluated: 2018-04-16. Review status: criteria provided, single submitter. Criteria: ACMG Guidelines, 2015. Collection method: curation. Allele origin: germline.
Comment: This variant is interpreted as a Uncertain Significance, for Shwachman-Diamond syndrome, Autosomal Recessive inheritance. The following ACMG Tag(s) were applied: PP3 => Multiple lines of computational evidence support a deleterious effect on the gene or gene product. PM2 => Absent from controls (or at extremely low frequency if recessive) in Exome Sequencing Project, 1000 Genomes Project, or Exome Aggregation Consortium.

Literature cited by the submitters: PubMed 12496757.